The following is an entry in ClinVar:

ClinVar aggregate classification (germline): Uncertain significance (1 of 4 stars; one submission).

Submission:

Women's Health and Genetics/Laboratory Corporation of America, LabCorp
Classification: Uncertain significance. Last evaluated: 2024-02-07. Review status: criteria provided, single submitter. Criteria: LabCorp Variant Classification Summary - May 2015. Collection method: clinical testing. Allele origin: germline.
Comment: Variant summary: NLRC4 c.1790A>G (p.Asp597Gly) results in a non-conservative amino acid change in the encoded protein sequence. Four of five in-silico tools predict a benign effect of the variant on protein function. The variant was absent in 251440 control chromosomes. The available data on variant occurrences in the general population are insufficient to allow any conclusion about variant significance. To our knowledge, no occurrence of c.1790A>G in individuals affected with NLRC4-Related Disorders and no experimental evidence demonstrating its impact on protein function have been reported. No submitters have cited clinical-significance assessments for this variant to ClinVar. Based on the evidence outlined above, the variant was classified as uncertain significance.

NM_001199138.2(NLRC4):c.1790A>G (p.Asp597Gly)

Gene: NLRC4 (NLR family CARD domain containing 4; minus strand). Cytogenetic location: 2p22.3.
Variant type: single nucleotide variant.
Coding change: c.1790A>G on transcript NM_001199138.2 (MANE Select); coding-DNA position 1790, A replaced by G.
Protein change: p.Asp597Gly; replaces aspartic acid 597 with glycine.
Molecular consequence: missense variant. On other transcripts: intron variant (1).
Genome position (GRCh38, 1-based): chr2:32,250,074, T>C on the plus strand (A>G on the coding strand, the complement: NLRC4 is on the minus strand). VCF-style: chr2-32250074-T-C. GRCh37 (hg19) VCF-style: chr2-32475143-T-C.
Other names: c.1790A>G, p.Asp597Gly (NM_001199139.2, NM_021209.5); c.262+2345A>G (NM_001302504.1); short protein forms D597G.
Identifiers: ClinVar variation 3068751 (VCV003068751.2), dbSNP rs2466758081, ClinGen allele CA346511693.